The following is an entry in ClinVar:

NM_000465.4(BARD1):c.1808C>T (p.Thr603Ile)

Gene: BARD1 (BRCA1 associated RING domain 1; minus strand). Cytogenetic location: 2q35.
Variant type: single nucleotide variant.
Coding change: c.1808C>T on transcript NM_000465.4 (MANE Select); coding-DNA position 1808, C replaced by T.
Protein change: p.Thr603Ile; replaces threonine 603 with isoleucine.
Molecular consequence: missense variant. On other transcripts: non-coding transcript variant (3), intron variant (1).
Genome position (GRCh38, 1-based): chr2:214,745,724, G>A on the plus strand (C>T on the coding strand, the complement: BARD1 is on the minus strand). VCF-style: chr2-214745724-G-A. GRCh37 (hg19) VCF-style: chr2-215610448-G-A.
Other names: c.1751C>T, p.Thr584Ile (NM_001282543.2); c.455C>T, p.Thr152Ile (NM_001282545.2); c.398C>T, p.Thr133Ile (NM_001282548.2); c.365-15216C>T (NM_001282549.2); c.1808C>T (NM_000465.2); short protein forms T133I, T152I, T584I, T603I.
Identifiers: ClinVar variation 1171091 (VCV001171091.3), dbSNP rs730881421, ClinGen allele CA350452485.
Genomic context (GRCh38, chr2:214,745,724, plus strand): 5'-AAAGGATCATCTATTTAACATTTTTTCTACCCCACCTCCCAAAATTCAAAATCCTCACCT[G>A]TACTGTCAAACTCAGTATATTTTTTAGCCTTAAGAATTACTGCAAGCTCACTGAGCATTT-3'
Protein context (NP_000456.2, residues 593-613): KAKKYTEFDS[Thr603Ile]VTHVVVPGDA

ClinVar aggregate classification (germline): Uncertain significance. Review status: criteria provided, multiple submitters, no conflicts (2 of 4 stars). 2 submissions from 2 submitters: Uncertain significance (2). Last evaluated 2026-01-15.

Conditions:
Hereditary cancer-predisposing syndrome. Also called: Neoplastic Syndromes, Hereditary; Tumor predisposition; Hereditary Cancer Syndrome; Hereditary neoplastic syndrome. Identifiers: Orphanet 140162, MedGen C0027672, MeSH D009386, MONDO:0015356.

Submissions (2):

Ambry Genetics
Classification: Uncertain significance for Hereditary cancer-predisposing syndrome. Last evaluated: 2026-01-15. Review status: criteria provided, single submitter. Criteria: Ambry Variant Classification Scheme 2023. Collection method: clinical testing. Allele origin: germline.
Comment: The p.T603I variant (also known as c.1808C>T), located in coding exon 8 of the BARD1 gene, results from a C to T substitution at nucleotide position 1808. The threonine at codon 603 is replaced by isoleucine, an amino acid with similar properties. This nucleotide position is highly conserved in available vertebrate species. In silico splice site analysis for this alteration is inconclusive and direct evidence is insufficient at this time (Ambry internal data). This amino acid position is well conserved in available vertebrate species. In addition, the in silico prediction for this alteration is inconclusive. Based on the available evidence, the clinical significance of this variant remains unclear.

Color Diagnostics, LLC DBA Color Health
Classification: Uncertain significance for Hereditary cancer-predisposing syndrome. Last evaluated: 2020-08-04. Review status: criteria provided, single submitter. Criteria: ACMG Guidelines, 2015. Collection method: clinical testing. Allele origin: germline.
Comment: This missense variant replaces threonine with isoleucine at codon 603 of the BARD1 protein. Computational prediction is inconclusive regarding the impact of this variant on protein structure and function (internally defined REVEL score threshold 0.5 < inconclusive < 0.7, PMID: 27666373). To our knowledge, functional studies have not been reported for this variant. This variant has not been reported in individuals affected with hereditary cancer in the literature. This variant has not been identified in the general population by the Genome Aggregation Database (gnomAD). The available evidence is insufficient to determine the role of this variant in disease conclusively. Therefore, this variant is classified as a Variant of Uncertain Significance.